The following is an entry in ClinVar:

ClinVar aggregate classification (germline): Pathogenic/Likely pathogenic. Review status: criteria provided, multiple submitters, no conflicts (2 of 4 stars). 3 submissions from 3 submitters: Pathogenic (2); Likely pathogenic (1). Last evaluated 2024-01-19.

Conditions:
Methylcobalamin deficiency type cblE (HMAE). Also called: HOMOCYSTINURIA-MEGALOBLASTIC ANEMIA, cblE COMPLEMENTATION TYPE; HOMOCYSTINURIA-MEGALOBLASTIC ANEMIA, cblE TYPE; VITAMIN B12-RESPONSIVE HOMOCYSTINURIA, cblE TYPE. Identifiers: Orphanet 2169, Orphanet 622, MedGen C1856057, MONDO:0009354, OMIM 236270.
Neural tube defects, folate-sensitive (NTDFS). Also called: NTD, FOLATE-SENSITIVE. Identifiers: Orphanet 823, MedGen C1866558, MONDO:0011120, OMIM 601634.

Allele frequency attached by ClinVar (database versions not stated): gnomAD exomes below 0.00001; TOPMed below 0.00001; gnomAD 0.00001.
gnomAD v4.1: 3 of 1,614,112 alleles (0.00019%); highest among the groups gnomAD compares: Non-Finnish European, 0.00025%; no homozygotes.

Submissions (3):

Baylor Genetics
Classification: Likely pathogenic for Neural tube defects, folate-sensitive. Last evaluated: 2024-01-19. Review status: criteria provided, single submitter. Criteria: ACMG Guidelines, 2015. Collection method: clinical testing. Allele origin: unknown.

Labcorp Genetics (formerly Invitae), Labcorp
Classification: Pathogenic for Methylcobalamin deficiency type cblE. Last evaluated: 2023-09-14. Review status: criteria provided, single submitter. Criteria: Invitae Variant Classification Sherloc (09022015). Collection method: clinical testing. Allele origin: germline.
Comment: This sequence change creates a premature translational stop signal (p.Gln255*) in the MTRR gene. It is expected to result in an absent or disrupted protein product. Loss-of-function variants in MTRR are known to be pathogenic (PMID: 15714522). This variant is not present in population databases (gnomAD no frequency). This variant has not been reported in the literature in individuals affected with MTRR-related conditions. ClinVar contains an entry for this variant (Variation ID: 1432431). For these reasons, this variant has been classified as Pathogenic.

Fulgent Genetics
Classification: Pathogenic for Methylcobalamin deficiency type cblE; Neural tube defects, folate-sensitive. Last evaluated: 2022-03-29. Review status: criteria provided, single submitter. Criteria: ACMG Guidelines, 2015. Collection method: clinical testing. Allele origin: unknown.

Literature cited by the submitters: PubMed 15714522 (cited by Labcorp Genetics (formerly Invitae), Labcorp).

NM_002454.3(MTRR):c.763C>T (p.Gln255Ter)

Gene: MTRR (5-methyltetrahydrofolate-homocysteine methyltransferase reductase; plus strand). Cytogenetic location: 5p15.31.
Variant type: single nucleotide variant.
Coding change: c.763C>T on transcript NM_002454.3 (MANE Select); coding-DNA position 763, C replaced by T.
Protein change: p.Gln255Ter; replaces glutamine 255 with a stop codon.
Molecular consequence: nonsense. On other transcripts: non-coding transcript variant (14).
Genome position (GRCh38, 1-based): chr5:7,878,305, C>T. VCF-style: chr5-7878305-C-T. GRCh37 (hg19) VCF-style: chr5-7878418-C-T.
Other names: c.763C>T, p.Gln255Ter (NM_001364440.2, NM_001364441.2, NM_001364442.2 and 1 more transcripts); short protein forms Q255*.
Identifiers: ClinVar variation 1432431 (VCV001432431.9), dbSNP rs1353165398, ClinGen allele CA359157414.